The following is an entry in ClinVar:

NM_013328.4(PYCR2):c.144G>A (p.Met48Ile)

Gene: PYCR2 (pyrroline-5-carboxylate reductase 2; minus strand). Cytogenetic location: 1q42.12.
Variant type: single nucleotide variant.
Coding change: c.144G>A on transcript NM_013328.4 (MANE Select); coding-DNA position 144, G replaced by A.
Protein change: p.Met48Ile; replaces methionine 48 with isoleucine.
Molecular consequence: missense variant.
Genome position (GRCh38, 1-based): chr1:225,922,378, C>T on the plus strand (G>A on the coding strand, the complement: PYCR2 is on the minus strand). VCF-style: chr1-225922378-C-T. GRCh37 (hg19) VCF-style: chr1-226110078-C-T.
Other names: c.144G>A, p.Met48Ile (NM_001271681.2); short protein forms M48I.
Identifiers: ClinVar variation 1957219 (VCV001957219.5), dbSNP rs2465059127, ClinGen allele CA345007400.

ClinVar aggregate classification (germline): Uncertain significance (1 of 4 stars; one submission).

Submission:

Labcorp Genetics (formerly Invitae), Labcorp
Classification: Uncertain significance. Last evaluated: 2024-10-07. Review status: criteria provided, single submitter. Criteria: Invitae Variant Classification Sherloc (09022015). Collection method: clinical testing. Allele origin: germline.
Comment: This sequence change replaces methionine, which is neutral and non-polar, with isoleucine, which is neutral and non-polar, at codon 48 of the PYCR2 protein (p.Met48Ile). This variant is not present in population databases (gnomAD no frequency). This variant has not been reported in the literature in individuals affected with PYCR2-related conditions. ClinVar contains an entry for this variant (Variation ID: 1957219). Invitae Evidence Modeling of protein sequence and biophysical properties (such as structural, functional, and spatial information, amino acid conservation, physicochemical variation, residue mobility, and thermodynamic stability) indicates that this missense variant is not expected to disrupt PYCR2 protein function with a negative predictive value of 80%. In summary, the available evidence is currently insufficient to determine the role of this variant in disease. Therefore, it has been classified as a Variant of Uncertain Significance.